The following is an entry in ClinVar:

ClinVar aggregate classification (germline): Likely benign. Review status: criteria provided, single submitter (1 of 4 stars). 2 submissions from 2 submitters: Likely benign (1). 1 of the submissions does not count toward it. Last evaluated 2018-04-24.

Conditions:
PLXNA2-related disorder. Also called: PLXNA2-related condition.

Allele frequency attached by ClinVar (database versions not stated): gnomAD below 0.00001 and 0.00004; TOPMed 0.00001; gnomAD exomes 0.00007 and 0.00016; 1000 Genomes Project 30x 0.00016; ExAC 0.00016; 1000 Genomes Project 0.00020.
gnomAD v4.1: 108 of 1,614,184 alleles (0.0067%); highest among the groups gnomAD compares: South Asian, 0.091%; 2 homozygotes.

Submissions (2):

Labcorp Genetics (formerly Invitae), Labcorp
Classification: Likely benign. Last evaluated: 2018-04-24. Review status: criteria provided, single submitter. Criteria: Invitae Variant Classification Sherloc (09022015). Collection method: clinical testing. Allele origin: germline.

PreventionGenetics, part of Exact Sciences
Classification: Likely benign for PLXNA2-related condition. Last evaluated: 2022-05-26. Review status: no assertion criteria provided. Collection method: clinical testing. Allele origin: germline. Not counted in ClinVar's aggregate classification.
Comment: This variant is classified as likely benign based on ACMG/AMP sequence variant interpretation guidelines (Richards et al. 2015 PMID: 25741868, with internal and published modifications).

NM_025179.4(PLXNA2):c.267G>A (p.Glu89=)

Gene: PLXNA2 (plexin A2; minus strand). Cytogenetic location: 1q32.2.
Variant type: single nucleotide variant.
Coding change: c.267G>A on transcript NM_025179.4 (MANE Select); coding-DNA position 267, G replaced by A.
Protein change: p.Glu89=; no amino-acid change (glutamic acid 89 retained).
Molecular consequence: synonymous variant.
Genome position (GRCh38, 1-based): chr1:208,217,656, C>T on the plus strand (G>A on the coding strand, the complement: PLXNA2 is on the minus strand). VCF-style: chr1-208217656-C-T. GRCh37 (hg19) VCF-style: chr1-208391001-C-T.
Identifiers: ClinVar variation 744656 (VCV000744656.5), dbSNP rs530408326, ClinGen allele CA1374101.